The following is an entry in ClinVar:

NM_001267550.2(TTN):c.8314G>A (p.Val2772Met)

Gene: TTN (titin; minus strand). Cytogenetic location: 2q31.2.
Variant type: single nucleotide variant.
Coding change: c.8314G>A on transcript NM_001267550.2 (MANE Select); coding-DNA position 8314, G replaced by A.
Protein change: p.Val2772Met; replaces valine 2772 with methionine.
Molecular consequence: missense variant.
Genome position (GRCh38, 1-based): chr2:178,770,478, C>T on the plus strand (G>A on the coding strand, the complement: TTN is on the minus strand). VCF-style: chr2-178770478-C-T. GRCh37 (hg19) VCF-style: chr2-179635205-C-T.
Other names: p.V2772M:GTG>ATG; c.8314G>A, p.Val2772Met (NM_133379.5, NM_001256850.1, NM_133378.4); c.8176G>A, p.Val2726Met (NM_133432.3, NM_133437.4, NM_003319.4); short protein forms V2772M, V2726M.
Identifiers: ClinVar variation 178269 (VCV000178269.37), dbSNP rs143035953, ClinGen allele CA181974.
Genomic context (GRCh38, chr2:178,770,478, plus strand): 5'-CGTGCAGTCTGGCACTGGCTCCAAGCCTTCCAAGCCTGAAGCCATAAACAGACTCATCCA[C>T]GATGGCACAGTTTTTAATCCTCAGAGAGTAAATTGTTCCTTTGACAGAGATAGCATACTT-3'
Protein context (NP_001254479.2, residues 2762-2782): YSLRIKNCAI[Val2772Met]DESVYGFRLG

ClinVar aggregate classification (germline): Conflicting classifications of pathogenicity. Review status: criteria provided, conflicting classifications (1 of 4 stars). 19 submissions from 15 submitters: Uncertain significance (3); Benign (4); Likely benign (10). 2 of the submissions do not count toward it. Last evaluated 2026-02-02.

Conditions:
TTN-related disorder. Also called: TTN-related condition; TTN-related disease; TTN-related disorders.
Cardiovascular phenotype. Identifiers: MedGen CN230736.
Dilated cardiomyopathy 1G (CMD1G). Identifiers: Orphanet 154, MedGen C1858763, MONDO:0011400, OMIM 604145.
Autosomal recessive limb-girdle muscular dystrophy type 2J (LGMDR10). Also called: Limb-girdle muscular dystrophy, type 2J; MUSCULAR DYSTROPHY, LIMB-GIRDLE, AUTOSOMAL RECESSIVE 10. Identifiers: Orphanet 140922, MedGen C1837342, MONDO:0012127, OMIM 608807.
Early-onset myopathy with fatal cardiomyopathy (CMYO5). Also called: CONGENITAL MYOPATHY 5 WITH CARDIOMYOPATHY; Salih Myopathy. Identifiers: Orphanet 289377, MedGen C2673677, MONDO:0012714, OMIM 611705. Disease mechanism: loss of function.
Myopathy, myofibrillar, 9, with early respiratory failure (MFM9). Also called: Hereditary myopathy with early respiratory failure; EDSTROM MYOPATHY; MYOPATHY, PROXIMAL, WITH EARLY RESPIRATORY MUSCLE INVOLVEMENT; Myopathy, distal, with early respiratory failure, autosomal dominant. Identifiers: Orphanet 178464, Orphanet 34521, MedGen C1863599, MONDO:0011362, OMIM 603689.
Tibial muscular dystrophy (TMD). Also called: Udd Distal Myopathy – Tibial Muscular Dystrophy; UDD MYOPATHY; Tibial muscular dystrophy, tardive. Identifiers: Orphanet 609, MedGen C1838244, MONDO:0010870, OMIM 600334.

Allele frequency attached by ClinVar (database versions not stated): gnomAD exomes 0.00016 and 0.00033; ExAC 0.00033; 1000 Genomes Project 0.00100; gnomAD 0.00106 and 0.00111; 1000 Genomes Project 30x 0.00109; TOPMed 0.00121; ESP Exome Variant Server 0.00123.
gnomAD v4.1: 398 of 1,614,124 alleles (0.025%); highest among the groups gnomAD compares: African/African-American, 0.41%; 1 homozygote.

Submissions (19):

Labcorp Genetics (formerly Invitae), Labcorp
Classification: Likely benign for Dilated cardiomyopathy 1G; Autosomal recessive limb-girdle muscular dystrophy type 2J. Last evaluated: 2026-02-02. Review status: criteria provided, single submitter. Criteria: Invitae Variant Classification Sherloc (09022015). Collection method: clinical testing. Allele origin: germline.

Mayo Clinic Laboratories, Mayo Clinic
Classification: Likely benign. Last evaluated: 2025-05-14. Review status: criteria provided, single submitter. Criteria: ACMG Guidelines, 2015. Collection method: clinical testing. Allele origin: germline. Observed: 1 variant allele.
Comment: BS1, BP4_moderate

ARUP Laboratories, Molecular Genetics and Genomics, ARUP Laboratories
Classification: Likely benign. Last evaluated: 2025-04-11. Review status: criteria provided, single submitter. Criteria: ARUP Molecular Germline Variant Investigation Process 2024. Collection method: clinical testing. Allele origin: germline.

Molecular Diagnostic Laboratory for Inherited Cardiovascular Disease, Montreal Heart Institute
Classification: Likely benign. Last evaluated: 2025-04-09. Review status: criteria provided, single submitter. Criteria: ACMG Guidelines, 2015. Collection method: clinical testing. Allele origin: germline. Affected: no.

PreventionGenetics, part of Exact Sciences
Classification: Likely benign for TTN-related condition. Last evaluated: 2025-02-08. Review status: criteria provided, single submitter. Criteria: ACMG Guidelines, 2015. Collection method: clinical testing. Allele origin: germline.
Comment: This variant is classified as likely benign based on ACMG/AMP sequence variant interpretation guidelines (Richards et al. 2015 PMID: 25741868, with internal and published modifications).

Blueprint Genetics
Classification: Likely benign. Last evaluated: 2024-10-02. Review status: criteria provided, single submitter. Criteria: ACMG Guidelines, 2015. Collection method: clinical testing. Allele origin: germline.

Women's Health and Genetics/Laboratory Corporation of America, LabCorp
Classification: Benign. Last evaluated: 2020-08-24. Review status: criteria provided, single submitter. Criteria: LabCorp Variant Classification Summary - May 2015. Collection method: clinical testing. Allele origin: germline.
Comment: Variant summary: TTN c.8314G>A (p.Val2772Met) results in a conservative amino acid change located in the I-band region of the encoded protein sequence. Five of five in-silico tools predict a benign effect of the variant on protein function. The variant allele was found at a frequency of 0.00033 in 250914 control chromosomes, predominantly at a frequency of 0.0041 within the African or African-American subpopulation in the gnomAD database. The observed variant frequency within African or African-American control individuals in the gnomAD database is approximately 10-fold of the estimated maximal expected allele frequency for a pathogenic variant in TTN causing Dilated Cardiomyopathy phenotype (0.00039), strongly suggesting that the variant is a benign polymorphism found primarily in populations of African or African-American origin. A co-occurrence with a pathogenic variant has been reported (TTR c.424G>A, p.V142I; Internal testing). Four ClinVar submitters (evaluation after 2014) cite the variant as benign/likely benign. One ClinVar submitter (evaluation after 2014) cites the variant as benign and as uncertain significance under different accession IDs. Based on the evidence outlined above, the variant was classified as benign.

GeneDx
Classification: Likely benign. Last evaluated: 2020-08-11. Review status: criteria provided, single submitter. Criteria: GeneDx Variant Classification (06012015). Collection method: clinical testing. Allele origin: germline. Affected: yes.
Comment: This variant is associated with the following publications: (PMID: 23861362)

Ambry Genetics
Classification: Likely benign for Cardiovascular phenotype. Last evaluated: 2018-02-13. Review status: criteria provided, single submitter. Criteria: Ambry Variant Classification Scheme 2023. Collection method: clinical testing. Allele origin: germline.

Illumina Laboratory Services, Illumina
Classification: Uncertain significance for Dilated cardiomyopathy 1G. Last evaluated: 2018-01-12. Review status: criteria provided, single submitter. Criteria: ICSL Variant Classification Criteria 13 December 2019. Collection method: clinical testing. Allele origin: germline.

Illumina Laboratory Services, Illumina
Classification: Uncertain significance for Autosomal recessive limb-girdle muscular dystrophy type 2J. Last evaluated: 2018-01-12. Review status: criteria provided, single submitter. Criteria: ICSL Variant Classification Criteria 13 December 2019. Collection method: clinical testing. Allele origin: germline.

Illumina Laboratory Services, Illumina
Classification: Benign for Myopathy, myofibrillar, 9, with early respiratory failure. Last evaluated: 2018-01-12. Review status: criteria provided, single submitter. Criteria: ICSL Variant Classification Criteria 13 December 2019. Collection method: clinical testing. Allele origin: germline.
Comment: This variant was observed in the ICSL laboratory as part of a predisposition screen in an ostensibly healthy population. It had not been previously curated by ICSL or reported in the Human Gene Mutation Database (HGMD: prior to June 1st, 2018), and was therefore a candidate for classification through an automated scoring system. Utilizing variant allele frequency, disease prevalence and penetrance estimates, and inheritance mode, an automated score was calculated to assess if this variant is too frequent to cause the disease. Based on the score and internal cut-off values, a variant classified as benign is not then subjected to further curation. The score for this variant resulted in a classification of benign for this disease.

Illumina Laboratory Services, Illumina
Classification: Uncertain significance for Early-onset myopathy with fatal cardiomyopathy. Last evaluated: 2018-01-12. Review status: criteria provided, single submitter. Criteria: ICSL Variant Classification Criteria 13 December 2019. Collection method: clinical testing. Allele origin: germline.

Illumina Laboratory Services, Illumina
Classification: Benign for Tibial muscular dystrophy. Last evaluated: 2018-01-12. Review status: criteria provided, single submitter. Criteria: ICSL Variant Classification Criteria 13 December 2019. Collection method: clinical testing. Allele origin: germline.
Comment: the same text as in the submission from Illumina Laboratory Services, Illumina above.

Laboratory for Molecular Medicine, Mass General Brigham Personalized Medicine
Classification: Benign. Last evaluated: 2015-07-29. Review status: criteria provided, single submitter. Criteria: LMM Criteria. Collection method: clinical testing. Allele origin: germline. Observed: 2 variant alleles.
Comment: p.Val2772Met in exon 35 of TTN: This variant is not expected to have clinical si gnificance because it has been identified in 0.3% (36/10404) of African chromoso mes by the Exome Aggregation Consortium (ExAC; dbSNP rs143035953). In addition, there is a lack of conservation across species, including mammals. Of note, myotis bat, microbat, big brown bat, and medaka, ha ve a Methionine (Met) at this position.

Eurofins Ntd Llc (ga)
Classification: Likely benign. Last evaluated: 2014-09-25. Review status: criteria provided, single submitter. Criteria: EGL Classification Definitions 2015. Collection method: clinical testing. Allele origin: germline. Observed: 1 variant allele, 1 heterozygote.

Biesecker Lab/Clinical Genomics Section, National Institutes of Health
Classification: Likely benign. Last evaluated: 2013-06-24. Review status: criteria provided, single submitter. Criteria: Ng et al. (Circ Cardiovasc Genet. 2013). Collection method: research. Allele origin: unknown. Observed: 1 variant allele. Study: ClinSeq.
Comment: The study set was not selected for affection status in relation to any cancer. Pathogenicity categories were based on literature curation. See Pubmed ID:23861362 for details.

Medical sequencing

Clinical Genetics DNA and cytogenetics Diagnostics Lab, Erasmus MC, Erasmus Medical Center
Classification: Likely benign. Review status: no assertion criteria provided. Collection method: clinical testing. Allele origin: germline. Affected: yes. Study: VKGL Data-share Consensus. Not counted in ClinVar's aggregate classification.

Clinical Genetics, Academic Medical Center
Classification: Benign. Review status: no assertion criteria provided. Collection method: clinical testing. Allele origin: germline. Affected: yes. Study: VKGL Data-share Consensus. Not counted in ClinVar's aggregate classification.

Literature cited by the submitters: PubMed 23861362 (cited by Laboratory for Molecular Medicine, Mass General Brigham Personalized Medicine).